The following is an entry in ClinVar:

ClinVar aggregate classification (germline): Uncertain significance (1 of 4 stars; one submission).

gnomAD v4.1: 8 of 1,614,186 alleles (0.0005%); highest among the groups gnomAD compares: Non-Finnish European, 0.00068%; no homozygotes.

Submission:

Mayo Clinic Laboratories, Mayo Clinic
Classification: Uncertain significance. Last evaluated: 2024-12-31. Review status: criteria provided, single submitter. Criteria: ACMG Guidelines, 2015. Collection method: clinical testing. Allele origin: germline. Observed: 1 variant allele.
Comment: PP3, PM2_supporting

NM_000392.5(ABCC2):c.1085T>C (p.Leu362Pro)

Gene: ABCC2 (ATP binding cassette subfamily C member 2; plus strand). Cytogenetic location: 10q24.2.
Variant type: single nucleotide variant.
Coding change: c.1085T>C on transcript NM_000392.5 (MANE Select); coding-DNA position 1085, T replaced by C.
Protein change: p.Leu362Pro; replaces leucine 362 with proline.
Molecular consequence: missense variant.
Genome position (GRCh38, 1-based): chr10:99,800,439, T>C. VCF-style: chr10-99800439-T-C. GRCh37 (hg19) VCF-style: chr10-101560196-T-C.
Other names: p.Leu362Pro; short protein forms L362P.
Identifiers: ClinVar variation 4541566 (VCV004541566.1).